The following is an entry in ClinVar:

NM_006506.5(RASA2):c.111G>T (p.Leu37Phe)

Genes: RASA2 (RAS p21 protein activator 2; plus strand), LOC129937686 (ATAC-STARR-seq lymphoblastoid silent region 14777; plus strand). Cytogenetic location: 3q23.
Variant type: single nucleotide variant.
Coding change: c.111G>T on transcript NM_006506.5 (MANE Select); coding-DNA position 111, G replaced by T.
Protein change: p.Leu37Phe; replaces leucine 37 with phenylalanine.
Molecular consequence: missense variant.
Genome position (GRCh38, 1-based): chr3:141,487,194, G>T. VCF-style: chr3-141487194-G-T. GRCh37 (hg19) VCF-style: chr3-141206036-G-T.
Other names: c.111G>T, p.Leu37Phe (NM_001303245.3, NM_001303246.3); short protein forms L37F.
Identifiers: ClinVar variation 3684172 (VCV003684172.2).
Genomic context (GRCh38, chr3:141,487,194, plus strand): 5'-GGCGAGTGCGACTGCAGAGCCCGAGGCCGGGGACCAGGACAGTCGCGAGGTTCGAGTGTT[G>T]CAGAGCCTGCGGGGCAAGATCTGTAAGCGGGGGCTGGGCTGAGGGGACGCCCTGGCGGCG-3'
Protein context (NP_006497.2, residues 27-47): GDQDSREVRV[Leu37Phe]QSLRGKICEA

ClinVar aggregate classification (germline): Uncertain significance (1 of 4 stars; one submission).

gnomAD v4.1: 1 of 1,453,242 alleles (0.000069%); highest among the groups gnomAD compares: Non-Finnish European, 0.000092%; no homozygotes.

Submission:

Labcorp Genetics (formerly Invitae), Labcorp
Classification: Uncertain significance. Last evaluated: 2024-12-05. Review status: criteria provided, single submitter. Criteria: Invitae Variant Classification Sherloc (09022015). Collection method: clinical testing. Allele origin: germline.
Comment: This sequence change replaces leucine, which is neutral and non-polar, with phenylalanine, which is neutral and non-polar, at codon 37 of the RASA2 protein (p.Leu37Phe). This variant is not present in population databases (gnomAD no frequency). This variant has not been reported in the literature in individuals affected with RASA2-related conditions. An algorithm developed to predict the effect of missense changes on protein structure and function (PolyPhen-2) suggests that this variant is likely to be tolerated. In summary, the available evidence is currently insufficient to determine the role of this variant in disease. Therefore, it has been classified as a Variant of Uncertain Significance.